The following is an entry in ClinVar:

ClinVar aggregate classification (germline): Uncertain significance (1 of 4 stars; one submission).

Allele frequency attached by ClinVar (database versions not stated): ESP Exome Variant Server 0.00008; ExAC 0.00003.

Submission:

Labcorp Genetics (formerly Invitae), Labcorp
Classification: Uncertain significance. Last evaluated: 2025-09-10. Review status: criteria provided, single submitter. Criteria: Invitae Variant Classification Sherloc (09022015). Collection method: clinical testing. Allele origin: germline.
Comment: This sequence change replaces isoleucine, which is neutral and non-polar, with leucine, which is neutral and non-polar, at codon 172 of the ICOSLG protein (p.Ile172Leu). This variant is present in population databases (rs369601615, gnomAD 0.003%). This variant has not been reported in the literature in individuals affected with ICOSLG-related conditions. ClinVar contains an entry for this variant (Variation ID: 2775791). An algorithm developed to predict the effect of missense changes on protein structure and function (PolyPhen-2) suggests that this variant is likely to be disruptive. In summary, the available evidence is currently insufficient to determine the role of this variant in disease. Therefore, it has been classified as a Variant of Uncertain Significance.

NM_015259.6(ICOSLG):c.514A>C (p.Ile172Leu)

Gene: ICOSLG (inducible T cell costimulator ligand; minus strand). Cytogenetic location: 21q22.3.
Variant type: single nucleotide variant.
Coding change: c.514A>C on transcript NM_015259.6 (MANE Select); coding-DNA position 514, A replaced by C.
Protein change: p.Ile172Leu; replaces isoleucine 172 with leucine.
Molecular consequence: missense variant.
Genome position (GRCh38, 1-based): chr21:44,235,455, T>G on the plus strand (A>C on the coding strand, the complement: ICOSLG is on the minus strand). VCF-style: chr21-44235455-T-G. GRCh37 (hg19) VCF-style: chr21-45655338-T-G.
Other names: c.514A>C, p.Ile172Leu (NM_001283050.2, NM_001395918.1); c.163A>C, p.Ile55Leu (NM_001283051.2); c.259A>C, p.Ile87Leu (NM_001283052.2); c.433A>C, p.Ile145Leu (NM_001365759.2); short protein forms I145L, I55L, I87L, I172L.
Identifiers: ClinVar variation 2775791 (VCV002775791.3), dbSNP rs369601615, ClinGen allele CA321497215.